The following is an entry in ClinVar:

ClinVar aggregate classification (germline): Uncertain significance. Review status: criteria provided, multiple submitters, no conflicts (2 of 4 stars). 3 submissions from 3 submitters: Uncertain significance (3). Last evaluated 2025-01-02.

Conditions:
Primary ciliary dyskinesia. Also called: Ciliary dyskinesia. Identifiers: Orphanet 244, MedGen C0008780, MONDO:0016575, HP:0012265.

Allele frequency attached by ClinVar (database versions not stated): ExAC 0.00002; ESP Exome Variant Server 0.00008; TOPMed 0.00002; gnomAD exomes 0.00001; gnomAD 0.00003.
gnomAD v4.1: 13 of 1,613,508 alleles (0.00081%); highest among the groups gnomAD compares: African/African-American, 0.0013%; no homozygotes.

Submissions (3):

Ambry Genetics
Classification: Uncertain significance for Primary ciliary dyskinesia. Last evaluated: 2025-01-02. Review status: criteria provided, single submitter. Criteria: Ambry Variant Classification Scheme 2023. Collection method: clinical testing. Allele origin: germline.

Molecular Genetics McLendon Clinical Laboratories, University of North Carolina at Chapel Hill
Classification: Uncertain significance for Primary ciliary dyskinesia. Last evaluated: 2024-04-08. Review status: criteria provided, single submitter. Criteria: ACMG Guidelines, 2015. Collection method: clinical testing. Allele origin: germline.

Labcorp Genetics (formerly Invitae), Labcorp
Classification: Uncertain significance for Primary ciliary dyskinesia. Last evaluated: 2022-08-23. Review status: criteria provided, single submitter. Criteria: Invitae Variant Classification Sherloc (09022015). Collection method: clinical testing. Allele origin: germline.
Comment: This sequence change replaces asparagine, which is neutral and polar, with serine, which is neutral and polar, at codon 898 of the CCDC40 protein (p.Asn898Ser). This variant is present in population databases (rs373525552, gnomAD 0.004%). This variant has not been reported in the literature in individuals affected with CCDC40-related conditions. Algorithms developed to predict the effect of missense changes on protein structure and function output the following: SIFT: "Deleterious"; PolyPhen-2: "Benign"; Align-GVGD: "Class C0". The serine amino acid residue is found in multiple mammalian species, which suggests that this missense change does not adversely affect protein function. In summary, the available evidence is currently insufficient to determine the role of this variant in disease. Therefore, it has been classified as a Variant of Uncertain Significance.

NM_017950.4(CCDC40):c.2693A>G (p.Asn898Ser)

Gene: CCDC40 (coiled-coil domain 40 molecular ruler complex subunit; plus strand). Cytogenetic location: 17q25.3.
Variant type: single nucleotide variant.
Coding change: c.2693A>G on transcript NM_017950.4 (MANE Select); coding-DNA position 2693, A replaced by G.
Protein change: p.Asn898Ser; replaces asparagine 898 with serine.
Molecular consequence: missense variant.
Genome position (GRCh38, 1-based): chr17:80,088,084, A>G. VCF-style: chr17-80088084-A-G. GRCh37 (hg19) VCF-style: chr17-78061883-A-G.
Other names: c.2693A>G (NM_017950.3); c.2693A>G, p.Asn898Ser (NM_001243342.2); short protein forms N898S.
Identifiers: ClinVar variation 1950952 (VCV001950952.7), dbSNP rs373525552, ClinGen allele CA8814304.